The following is an entry in ClinVar:

NM_178526.5(SLC25A42):c.346C>A (p.Arg116Ser)

Gene: SLC25A42 (solute carrier family 25 member 42; plus strand). Cytogenetic location: 19p13.11.
Variant type: single nucleotide variant.
Coding change: c.346C>A on transcript NM_178526.5 (MANE Select); coding-DNA position 346, C replaced by A.
Protein change: p.Arg116Ser; replaces arginine 116 with serine.
Molecular consequence: missense variant.
Genome position (GRCh38, 1-based): chr19:19,105,693, C>A. VCF-style: chr19-19105693-C-A. GRCh37 (hg19) VCF-style: chr19-19216502-C-A.
Other names: c.346C>A, p.Arg116Ser (NM_001321544.2); c.346C>A (NM_178526.3); short protein forms R116S.
Identifiers: ClinVar variation 2139086 (VCV002139086.2), dbSNP rs755883383, ClinGen allele CA404892765.

ClinVar aggregate classification (germline): Uncertain significance. Review status: criteria provided, multiple submitters, no conflicts (2 of 4 stars). 2 submissions from 2 submitters: Uncertain significance (2). Last evaluated 2024-12-24.

Conditions:
Inborn genetic diseases. Identifiers: MedGen C0950123, MeSH D030342.

gnomAD v4.1: 21 of 1,606,998 alleles (0.0013%); highest among the groups gnomAD compares: Admixed American, 0.02%; no homozygotes.

Submissions (2):

Ambry Genetics
Classification: Uncertain significance for Inborn genetic diseases. Last evaluated: 2024-12-24. Review status: criteria provided, single submitter. Criteria: Ambry Variant Classification Scheme 2023. Collection method: clinical testing. Allele origin: germline.

Labcorp Genetics (formerly Invitae), Labcorp
Classification: Uncertain significance. Last evaluated: 2022-05-31. Review status: criteria provided, single submitter. Criteria: Invitae Variant Classification Sherloc (09022015). Collection method: clinical testing. Allele origin: germline.
Comment: This sequence change replaces arginine, which is basic and polar, with serine, which is neutral and polar, at codon 116 of the SLC25A42 protein (p.Arg116Ser). This variant is present in population databases (no rsID available, gnomAD 0.01%). This variant has not been reported in the literature in individuals affected with SLC25A42-related conditions. Algorithms developed to predict the effect of missense changes on protein structure and function (SIFT, PolyPhen-2, Align-GVGD) all suggest that this variant is likely to be tolerated. In summary, the available evidence is currently insufficient to determine the role of this variant in disease. Therefore, it has been classified as a Variant of Uncertain Significance.